The following is an entry in ClinVar:

NM_025237.3(SOST):c.350A>G (p.Asn117Ser)

Gene: SOST (sclerostin; minus strand). Cytogenetic location: 17q21.31.
Variant type: single nucleotide variant.
Coding change: c.350A>G on transcript NM_025237.3 (MANE Select); coding-DNA position 350, A replaced by G.
Protein change: p.Asn117Ser; replaces asparagine 117 with serine.
Molecular consequence: missense variant.
Genome position (GRCh38, 1-based): chr17:43,755,634, T>C on the plus strand (A>G on the coding strand, the complement: SOST is on the minus strand). VCF-style: chr17-43755634-T-C. GRCh37 (hg19) VCF-style: chr17-41833002-T-C.
Other names: short protein forms N117S.
Identifiers: ClinVar variation 2637182 (VCV002637182.2), dbSNP rs977792055, ClinGen allele CA290857101.

ClinVar aggregate classification (germline): Uncertain significance. Review status: criteria provided, multiple submitters, no conflicts (2 of 4 stars). 2 submissions from 2 submitters: Uncertain significance (2). Last evaluated 2025-02-21.

Conditions:
Inborn genetic diseases. Identifiers: MedGen C0950123, MeSH D030342.
SOST-related disorder. Also called: SOST-related condition.

Allele frequency attached by ClinVar (database versions not stated): gnomAD 0.00001; gnomAD exomes 0.00001; TOPMed 0.00003.
gnomAD v4.1: 5 of 1,579,890 alleles (0.00032%); highest among the groups gnomAD compares: Non-Finnish European, 0.00043%; no homozygotes.

Submissions (2):

Ambry Genetics
Classification: Uncertain significance for Inborn genetic diseases. Last evaluated: 2025-02-21. Review status: criteria provided, single submitter. Criteria: Ambry Variant Classification Scheme 2023. Collection method: clinical testing. Allele origin: germline.

PreventionGenetics, part of Exact Sciences
Classification: Uncertain significance for SOST-related condition. Last evaluated: 2022-10-16. Review status: criteria provided, single submitter. Criteria: ACMG Guidelines, 2015. Collection method: clinical testing. Allele origin: germline.
Comment: The SOST c.350A>G variant is predicted to result in the amino acid substitution p.Asn117Ser. To our knowledge, this variant has not been reported in the literature or in a large population database, indicating this variant is rare. At this time, the clinical significance of this variant is uncertain due to the absence of conclusive functional and genetic evidence.